The following is an entry in ClinVar:

ClinVar aggregate classification (germline): Uncertain significance (1 of 4 stars; one submission).

Allele frequency attached by ClinVar (database versions not stated): gnomAD exomes below 0.00001.
gnomAD v4.1: 1 of 1,613,750 alleles (0.000062%); highest among the groups gnomAD compares: Middle Eastern, 0.016%; no homozygotes.

Submission:

Labcorp Genetics (formerly Invitae), Labcorp
Classification: Uncertain significance. Last evaluated: 2023-10-17. Review status: criteria provided, single submitter. Criteria: Invitae Variant Classification Sherloc (09022015). Collection method: clinical testing. Allele origin: germline.
Comment: This sequence change replaces arginine, which is basic and polar, with lysine, which is basic and polar, at codon 968 of the NLRP1 protein (p.Arg968Lys). This variant is present in population databases (no rsID available, gnomAD 0.0009%). This variant has not been reported in the literature in individuals affected with NLRP1-related conditions. Algorithms developed to predict the effect of missense changes on protein structure and function output the following: SIFT: "Not Available"; PolyPhen-2: "Benign"; Align-GVGD: "Not Available". The lysine amino acid residue is found in multiple mammalian species, which suggests that this missense change does not adversely affect protein function. In summary, the available evidence is currently insufficient to determine the role of this variant in disease. Therefore, it has been classified as a Variant of Uncertain Significance.

NM_033004.4(NLRP1):c.2903G>A (p.Arg968Lys)

Gene: NLRP1 (NLR family pyrin domain containing 1; minus strand). Cytogenetic location: 17p13.2.
Variant type: single nucleotide variant.
Coding change: c.2903G>A on transcript NM_033004.4 (MANE Select); coding-DNA position 2903, G replaced by A.
Protein change: p.Arg968Lys; replaces arginine 968 with lysine.
Molecular consequence: missense variant. On other transcripts: intron variant (2).
Genome position (GRCh38, 1-based): chr17:5,536,908, C>T on the plus strand (G>A on the coding strand, the complement: NLRP1 is on the minus strand). VCF-style: chr17-5536908-C-T. GRCh37 (hg19) VCF-style: chr17-5440228-C-T.
Other names: c.2903G>A, p.Arg968Lys (NM_001033053.3, NM_014922.5); c.2870+2507G>A (NM_033007.4, NM_033006.4); short protein forms R968K.
Identifiers: ClinVar variation 2789907 (VCV002789907.3), dbSNP rs1156384511, ClinGen allele CA397375834.